The following is an entry in ClinVar:

ClinVar aggregate classification (germline): Uncertain significance (1 of 4 stars; one submission).

Submission:

GeneDx
Classification: Uncertain significance. Last evaluated: 2026-03-12. Review status: criteria provided, single submitter. Criteria: GeneDx Variant Classification Process June 2021. Collection method: clinical testing. Allele origin: germline.
Comment: Not observed at significant frequency in large population cohorts (gnomAD); In silico analysis supports that this missense variant has a deleterious effect on protein structure/function; Has not been previously published as pathogenic or benign to our knowledge

NM_000384.3(APOB):c.995T>C (p.Leu332Pro)

Gene: APOB (apolipoprotein B; minus strand). Cytogenetic location: 2p24.1.
Variant type: single nucleotide variant.
Coding change: c.995T>C on transcript NM_000384.3 (MANE Select); coding-DNA position 995, T replaced by C.
Protein change: p.Leu332Pro; replaces leucine 332 with proline.
Molecular consequence: missense variant.
Genome position (GRCh38, 1-based): chr2:21,033,428, A>G on the plus strand (T>C on the coding strand, the complement: APOB is on the minus strand). VCF-style: chr2-21033428-A-G. GRCh37 (hg19) VCF-style: chr2-21256300-A-G.
Other names: short protein forms L332P.
Identifiers: ClinVar variation 5009144 (VCV005009144.1).
Genomic context (GRCh38, chr2:21,033,428, plus strand): 5'-ACCAGCTTATTGAAGAGATTAGCTCTCTGGATATTTTGCTCAGAGATGGTTAGTTTTTTC[A>G]GTTCCTGGAGAGTCTTCAAAACAGCTTCGGCCTGCTTTGGAGGTGATGTGGATTTGGTGC-3'
Protein context (NP_000375.3, residues 322-342): AEAVLKTLQE[Leu332Pro]KKLTISEQNI